The following is an entry in ClinVar:

NM_001165963.4(SCN1A):c.655A>G (p.Arg219Gly)

Gene: SCN1A (sodium voltage-gated channel alpha subunit 1; minus strand). Cytogenetic location: 2q24.3.
Variant type: single nucleotide variant.
Coding change: c.655A>G on transcript NM_001165963.4 (MANE Select); coding-DNA position 655, A replaced by G.
Protein change: p.Arg219Gly; replaces arginine 219 with glycine.
Molecular consequence: missense variant. On other transcripts: 5 prime UTR variant (1), non-coding transcript variant (1).
Genome position (GRCh38, 1-based): chr2:166,052,891, T>C on the plus strand (A>G on the coding strand, the complement: SCN1A is on the minus strand). VCF-style: chr2-166052891-T-C. GRCh37 (hg19) VCF-style: chr2-166909401-T-C.
Other names: NM_001165963.4(SCN1A):c.655A>G; p.Arg219Gly; c.655A>G, p.Arg219Gly (NM_001165964.3, NM_001202435.3, NM_001353948.2 and 10 more transcripts); c.-1771A>G (NM_001353961.2); short protein forms R219G.
Identifiers: ClinVar variation 1000050 (VCV001000050.47), dbSNP rs1553550574, ClinGen allele CA349074181.

ClinVar aggregate classification (germline): Likely pathogenic. Review status: reviewed by expert panel (3 of 4 stars). 3 submissions from 3 submitters: Likely pathogenic (1). 2 of the submissions do not count toward it. Last evaluated 2026-03-24.

Conditions:
Genetic developmental and epileptic encephalopathy. Identifiers: MedGen CN379639, MONDO:0100062.
Early-infantile DEE. Also called: Early infantile epileptic encephalopathy with suppression bursts; Early infantile epileptic encephalopathy; Ohtahara syndrome. Identifiers: Orphanet 1934, MedGen C0393706, MONDO:0800491.

Submissions (3):

ClinGen Epilepsy Sodium Channel Variant Curation Expert Panel, Clingen
Classification: Likely pathogenic for Genetic developmental and epileptic encephalopathy. Last evaluated: 2026-03-24. Review status: reviewed by expert panel. Criteria: ClinGen EpilepsySCN ACMG Specifications SCN1A V2.0.0. Collection method: curation. Allele origin: germline. Inheritance: Autosomal dominant inheritance.
Comment: The NM_001165963.4:c.655A>G variant in SCN1A is a missense variant predicted to cause substitution of arginine by glycine at amino acid 219 (p.Arg219Gly). This variant has been identified as a de novo occurrence with unconfirmed parental relationships in 1 individual with autosomal dominant developmental and epileptic encephalopathy (PM6_Supporting; PMID 27236449). This variant has been reported in 1 proband meeting phenotypic criteria for autosomal dominant developmental and epileptic encephalopathy (PS4_Supporting; PMID 34992632). This variant is absent from gnomAD v4.1.0 (PM2_Supporting). This variant resides within a region, amino acids 212-230, of SCN1A that is defined as a mutational hotspot and/or critical functional domain by the ClinGen Epilepsy Sodium Channel VCEP (PM1). The computational predictor REVEL gives a score of 0.953, which is above the threshold of ≥0.773, evidence that correlates with impact to SCN1A function (PP3_Moderate). In summary, this variant meets the criteria to be classified as likely pathogenic for autosomal dominant developmental and epileptic encephalopathy based on the ACMG/AMP criteria applied, as specified by the ClinGen Epilepsy Sodium Channel VCEP: PM1, PP3_Moderate, PM6_Supporting, PS4_Supporting, PM2_Supporting. (VCEP Specifications Version 2.0.0; Approved 3/24/26).

Labcorp Genetics (formerly Invitae), Labcorp
Classification: Pathogenic for Early-infantile DEE. Last evaluated: 2025-05-07. Review status: criteria provided, single submitter. Criteria: Invitae Variant Classification Sherloc (09022015). Collection method: clinical testing. Allele origin: germline. Not counted in ClinVar's aggregate classification.
Comment: This sequence change replaces arginine, which is basic and polar, with glycine, which is neutral and non-polar, at codon 219 of the SCN1A protein (p.Arg219Gly). This variant is not present in population databases (gnomAD no frequency). This missense change has been observed in individual(s) with clinical features of SCN1A-related conditions (PMID: 27236449; internal data). In at least one individual the variant was observed to be de novo. ClinVar contains an entry for this variant (Variation ID: 1000050). Invitae Evidence Modeling of protein sequence and biophysical properties (such as structural, functional, and spatial information, amino acid conservation, physicochemical variation, residue mobility, and thermodynamic stability) indicates that this missense variant is expected to disrupt SCN1A protein function with a positive predictive value of 95%. For these reasons, this variant has been classified as Pathogenic.

CeGaT Center for Human Genetics Tuebingen
Classification: Likely pathogenic. Last evaluated: 2021-01-01. Review status: criteria provided, single submitter. Criteria: CeGaT Center For Human Genetics Tuebingen Variant Classification Criteria Version 2. Collection method: clinical testing. Allele origin: germline. Affected: yes. Observed: 1 variant allele. Not counted in ClinVar's aggregate classification.

Literature cited by the submitters: PubMed 27236449 (cited by Labcorp Genetics (formerly Invitae), Labcorp).